The following is an entry in ClinVar:

ClinVar aggregate classification (germline): Uncertain significance (1 of 4 stars; one submission).

Conditions:
Short-rib thoracic dysplasia 8 with or without polydactyly (SRTD8). Also called: SHORT-RIB THORACIC DYSPLASIA 8 WITH POLYDACTYLY. Identifiers: Orphanet 93271, MedGen C3809691, MONDO:0014214, OMIM 615503.

Allele frequency attached by ClinVar (database versions not stated): gnomAD exomes below 0.00001 and 0.00002.
gnomAD v4.1: 22 of 1,613,964 alleles (0.0014%); highest among the groups gnomAD compares: Non-Finnish European, 0.0018%; no homozygotes.

Submission:

Labcorp Genetics (formerly Invitae), Labcorp
Classification: Uncertain significance for Short-rib thoracic dysplasia 8 with or without polydactyly. Last evaluated: 2021-06-23. Review status: criteria provided, single submitter. Criteria: Invitae Variant Classification Sherloc (09022015). Collection method: clinical testing. Allele origin: germline.
Comment: In summary, the available evidence is currently insufficient to determine the role of this variant in disease. Therefore, it has been classified as a Variant of Uncertain Significance. Algorithms developed to predict the effect of missense changes on protein structure and function (SIFT, PolyPhen-2, Align-GVGD) all suggest that this variant is likely to be tolerated. This variant has not been reported in the literature in individuals affected with WDR60-related conditions. This variant is not present in population databases (ExAC no frequency). This sequence change replaces histidine with arginine at codon 718 of the WDR60 protein (p.His718Arg). The histidine residue is weakly conserved and there is a small physicochemical difference between histidine and arginine.

NM_018051.5(DYNC2I1):c.2153A>G (p.His718Arg)

Gene: DYNC2I1 (dynein 2 intermediate chain 1; plus strand). Cytogenetic location: 7q36.3.
Variant type: single nucleotide variant.
Coding change: c.2153A>G on transcript NM_018051.5 (MANE Select); coding-DNA position 2153, A replaced by G.
Protein change: p.His718Arg; replaces histidine 718 with arginine.
Molecular consequence: missense variant.
Genome position (GRCh38, 1-based): chr7:158,923,629, A>G. VCF-style: chr7-158923629-A-G. GRCh37 (hg19) VCF-style: chr7-158716320-A-G.
Other names: c.2015A>G, p.His672Arg (NM_001350914.2); c.1580A>G, p.His527Arg (NM_001350915.2); c.692A>G, p.His231Arg (NM_001350916.2); c.905A>G, p.His302Arg (NM_001350917.2, NM_001350918.2); short protein forms H231R, H302R, H527R, H672R, H718R.
Identifiers: ClinVar variation 1680704 (VCV001680704.6), dbSNP rs1400146732, ClinGen allele CA370178706.